The following is an entry in ClinVar:

ClinVar aggregate classification (germline): Uncertain significance (1 of 4 stars; one submission).

Conditions:
Autosomal recessive limb-girdle muscular dystrophy type 2L (LGMDR12). Also called: Limb-Girdle Muscular Dystrophy R12 Anoctamin-5-Related (LGMD-R12); MUSCULAR DYSTROPHY, LIMB-GIRDLE, AUTOSOMAL RECESSIVE 12; Limb-girdle muscular dystrophy, type 2L. Identifiers: Orphanet 206549, MedGen C1969785, MONDO:0012652, OMIM 611307.
Gnathodiaphyseal dysplasia (GDD). Also called: GNATHODIAPHYSEAL SCLEROSIS; OSTEOGENESIS IMPERFECTA WITH UNUSUAL SKELETAL LESIONS. Identifiers: Orphanet 53697, MedGen C1833736, MONDO:0008151, OMIM 166260.

Allele frequency attached by ClinVar (database versions not stated): TOPMed below 0.00001; gnomAD 0.00001.
gnomAD v4.1: 1 of 1,613,992 alleles (0.000062%); highest among the groups gnomAD compares: African/African-American, 0.0013%; no homozygotes.

Submission:

Labcorp Genetics (formerly Invitae), Labcorp
Classification: Uncertain significance for Autosomal recessive limb-girdle muscular dystrophy type 2L; Gnathodiaphyseal dysplasia. Last evaluated: 2022-12-02. Review status: criteria provided, single submitter. Criteria: Invitae Variant Classification Sherloc (09022015). Collection method: clinical testing. Allele origin: germline.
Comment: This sequence change replaces arginine, which is basic and polar, with threonine, which is neutral and polar, at codon 640 of the ANO5 protein (p.Arg640Thr). This variant is not present in population databases (gnomAD no frequency). This variant has not been reported in the literature in individuals affected with ANO5-related conditions. Advanced modeling of protein sequence and biophysical properties (such as structural, functional, and spatial information, amino acid conservation, physicochemical variation, residue mobility, and thermodynamic stability) has been performed at Invitae for this missense variant, however the output from this modeling did not meet the statistical confidence thresholds required to predict the impact of this variant on ANO5 protein function. In summary, the available evidence is currently insufficient to determine the role of this variant in disease. Therefore, it has been classified as a Variant of Uncertain Significance.

NM_213599.3(ANO5):c.1919G>C (p.Arg640Thr)

Gene: ANO5 (anoctamin 5; plus strand). Cytogenetic location: 11p14.3.
Variant type: single nucleotide variant.
Coding change: c.1919G>C on transcript NM_213599.3 (MANE Select); coding-DNA position 1919, G replaced by C.
Protein change: p.Arg640Thr; replaces arginine 640 with threonine.
Molecular consequence: missense variant.
Genome position (GRCh38, 1-based): chr11:22,270,332, G>C. VCF-style: chr11-22270332-G-C. GRCh37 (hg19) VCF-style: chr11-22291878-G-C.
Other names: c.1916G>C, p.Arg639Thr (NM_001142649.2); c.1877G>C, p.Arg626Thr (NM_001410963.1); c.1874G>C, p.Arg625Thr (NM_001410964.1); short protein forms R626T, R640T, R625T, R639T.
Identifiers: ClinVar variation 2928838 (VCV002928838.3), dbSNP rs1854560855, ClinGen allele CA379923272.